The following is an entry in ClinVar:

ClinVar aggregate classification (germline): Likely benign. Review status: criteria provided, multiple submitters, no conflicts (2 of 4 stars). 6 submissions from 6 submitters: Likely benign (6). Last evaluated 2026-08-01.

Conditions:
Hereditary cancer-predisposing syndrome. Also called: Hereditary neoplastic syndrome; Tumor predisposition; Neoplastic Syndromes, Hereditary; Hereditary Cancer Syndrome. Identifiers: Orphanet 140162, MedGen C0027672, MeSH D009386, MONDO:0015356.
Neurofibromatosis, type 2 (SWNV). Also called: SCHWANNOMATOSIS, VESTIBULAR; BILATERAL ACOUSTIC NEUROFIBROMATOSIS; NF2-Related Schwannomatosis. Identifiers: Orphanet 637, MedGen C0027832, MONDO:0007039, OMIM 101000. Disease mechanism: loss of function.

Allele frequency attached by ClinVar (database versions not stated): gnomAD 0.00003 and 0.00004; gnomAD exomes 0.00003 and 0.00006; TOPMed 0.00003; ExAC 0.00007.
gnomAD v4.1: 59 of 1,613,810 alleles (0.0037%); highest among the groups gnomAD compares: Middle Eastern, 0.2%; no homozygotes.

Submissions (6):

CeGaT Center for Human Genetics Tuebingen
Classification: Likely benign. Last evaluated: 2026-08-01. Review status: criteria provided, single submitter. Criteria: CeGaT Center For Human Genetics Tuebingen Variant Classification Criteria Version 2. Collection method: clinical testing. Allele origin: germline. Affected: yes. Observed: 6 variant alleles.
Comment: NF2: BP4

Labcorp Genetics (formerly Invitae), Labcorp
Classification: Likely benign for Neurofibromatosis, type 2. Last evaluated: 2026-01-18. Review status: criteria provided, single submitter. Criteria: Invitae Variant Classification Sherloc (09022015). Collection method: clinical testing. Allele origin: germline.

Blueprint Genetics
Classification: Likely benign. Last evaluated: 2024-09-19. Review status: criteria provided, single submitter. Criteria: ACMG Guidelines, 2015. Collection method: clinical testing. Allele origin: germline.

Color Diagnostics, LLC DBA Color Health
Classification: Likely benign for Neurofibromatosis, type 2. Last evaluated: 2023-03-15. Review status: criteria provided, single submitter. Criteria: ACMG Guidelines, 2015. Collection method: clinical testing. Allele origin: germline.

Sema4
Classification: Likely benign for Hereditary cancer-predisposing syndrome. Last evaluated: 2021-09-30. Review status: criteria provided, single submitter. Criteria: Sema4 Curation Guidelines. Collection method: curation. Allele origin: germline.

GeneDx
Classification: Likely benign. Last evaluated: 2017-10-31. Review status: criteria provided, single submitter. Criteria: GeneDx Variant Classification (06012015). Collection method: clinical testing. Allele origin: germline. Affected: yes.
Comment: This variant is considered likely benign or benign based on one or more of the following criteria: it is a conservative change, it occurs at a poorly conserved position in the protein, it is predicted to be benign by multiple in silico algorithms, and/or has population frequency not consistent with disease.

NM_000268.4(NF2):c.1000-7C>G

Gene: NF2 (NF2, moesin-ezrin-radixin like (MERLIN) tumor suppressor; plus strand). Cytogenetic location: 22q12.2.
Variant type: single nucleotide variant.
Coding change: c.1000-7C>G on transcript NM_000268.4 (MANE Select); 7 bases into the intron before coding-DNA position 1000, C replaced by G.
Molecular consequence: intron variant.
Genome position (GRCh38, 1-based): chr22:29,671,819, C>G. VCF-style: chr22-29671819-C-G. GRCh37 (hg19) VCF-style: chr22-30067808-C-G.
Other names: c.1000-7C>G (NM_016418.5, NM_181832.3, NM_181825.3); c.448-22933C>G (NM_181833.3); c.877-7C>G (NM_181829.3); c.874-7C>G (NM_181828.3); c.751-7C>G (NM_181830.3, NM_181831.3).
Identifiers: ClinVar variation 457887 (VCV000457887.42), dbSNP rs776237839, ClinGen allele CA036479.